The following is an entry in ClinVar:

NM_181703.4(GJA5):c.430G>A (p.Ala144Thr)

Gene: GJA5 (gap junction protein alpha 5; minus strand). Cytogenetic location: 1q21.2.
Variant type: single nucleotide variant.
Coding change: c.430G>A on transcript NM_181703.4 (MANE Select); coding-DNA position 430, G replaced by A.
Protein change: p.Ala144Thr; replaces alanine 144 with threonine.
Molecular consequence: missense variant.
Genome position (GRCh38, 1-based): chr1:147,758,809, C>T on the plus strand (G>A on the coding strand, the complement: GJA5 is on the minus strand). VCF-style: chr1-147758809-C-T. GRCh37 (hg19) VCF-style: chr1-147230917-C-T.
Other names: c.430G>A, p.Ala144Thr (NM_005266.7); short protein forms A144T.
Identifiers: ClinVar variation 567064 (VCV000567064.8), dbSNP rs782438073, ClinGen allele CA1065766.

ClinVar aggregate classification (germline): Uncertain significance (1 of 4 stars; one submission).

Conditions:
Atrial fibrillation, familial, 11 (ATFB11). Identifiers: MedGen C3279693, MONDO:0013544, OMIM 614049.
Atrial standstill 1 (ATRST1). Also called: ATRIAL CARDIOMYOPATHY WITH HEART BLOCK; CARDIOMYOPATHY, FAMILIAL, WITH CONDUCTION DISTURBANCE; Atrial standstill, digenic (GJA5/SCN5A). Identifiers: Orphanet 1344, MedGen C4551959, MONDO:0007171, OMIM 108770.

Allele frequency attached by ClinVar (database versions not stated): gnomAD 0.00001 and 0.00002; ExAC 0.00002; gnomAD exomes 0.00002; TOPMed 0.00003.

Submission:

Labcorp Genetics (formerly Invitae), Labcorp
Classification: Uncertain significance for Atrial fibrillation, familial, 11; Atrial standstill 1. Last evaluated: 2025-02-27. Review status: criteria provided, single submitter. Criteria: Invitae Variant Classification Sherloc (09022015). Collection method: clinical testing. Allele origin: germline.
Comment: This sequence change replaces alanine, which is neutral and non-polar, with threonine, which is neutral and polar, at codon 144 of the GJA5 protein (p.Ala144Thr). This variant is present in population databases (rs782438073, gnomAD 0.004%). This variant has not been reported in the literature in individuals affected with GJA5-related conditions. ClinVar contains an entry for this variant (Variation ID: 567064). Invitae Evidence Modeling of protein sequence and biophysical properties (such as structural, functional, and spatial information, amino acid conservation, physicochemical variation, residue mobility, and thermodynamic stability) indicates that this missense variant is not expected to disrupt GJA5 protein function with a negative predictive value of 80%. In summary, the available evidence is currently insufficient to determine the role of this variant in disease. Therefore, it has been classified as a Variant of Uncertain Significance.